The following is an entry in ClinVar:

NM_000264.5(PTCH1):c.*248C>T

Gene: PTCH1 (patched 1; minus strand). Cytogenetic location: 9q22.32.
Variant type: single nucleotide variant.
Coding change: c.*248C>T on transcript NM_000264.5 (MANE Select); 248 bases downstream of the stop codon, C replaced by T.
Molecular consequence: 3 prime UTR variant. On other transcripts: non-coding transcript variant (1).
Genome position (GRCh38, 1-based): chr9:95,446,145, G>A on the plus strand (C>T on the coding strand, the complement: PTCH1 is on the minus strand). VCF-style: chr9-95446145-G-A. GRCh37 (hg19) VCF-style: chr9-98208427-G-A.
Other names: c.*248C>T (NM_001083602.3, NM_001083603.3, NM_001083604.3 and 4 more transcripts).
Identifiers: ClinVar variation 914741 (VCV000914741.4), dbSNP rs576591779, ClinGen allele CA196555086.

ClinVar aggregate classification (germline): Benign. Review status: criteria provided, single submitter (1 of 4 stars). 2 submissions from 1 submitter: Benign (2). Last evaluated 2018-01-13.

Conditions:
Holoprosencephaly 7 (HPE7). Identifiers: Orphanet 2162, MedGen C1835820, MONDO:0012562, OMIM 610828.
Gorlin syndrome. Also called: Basal cell nevus syndrome; Nevoid Basal Cell Carcinoma Syndrome. Identifiers: Orphanet 377, MedGen C0004779, MONDO:0007187.

Allele frequency attached by ClinVar (database versions not stated): gnomAD exomes 0.00015; 1000 Genomes Project 30x 0.00031; 1000 Genomes Project 0.00040.
gnomAD v4.1: 30 of 304,848 alleles (0.0098%); highest among the groups gnomAD compares: South Asian, 0.09%; no homozygotes.

Submissions (2):

Illumina Laboratory Services, Illumina
Classification: Benign for Basal cell nevus syndrome 1. Last evaluated: 2018-01-13. Review status: criteria provided, single submitter. Criteria: ICSL Variant Classification Criteria 13 December 2019. Collection method: clinical testing. Allele origin: germline.
Comment: This variant was observed in the ICSL laboratory as part of a predisposition screen in an ostensibly healthy population. It had not been previously curated by ICSL or reported in the Human Gene Mutation Database (HGMD: prior to June 1st, 2018), and was therefore a candidate for classification through an automated scoring system. Utilizing variant allele frequency, disease prevalence and penetrance estimates, and inheritance mode, an automated score was calculated to assess if this variant is too frequent to cause the disease. Based on the score and internal cut-off values, a variant classified as benign is not then subjected to further curation. The score for this variant resulted in a classification of benign for this disease.

Illumina Laboratory Services, Illumina
Classification: Benign for Holoprosencephaly 7. Last evaluated: 2018-01-13. Review status: criteria provided, single submitter. Criteria: ICSL Variant Classification Criteria 13 December 2019. Collection method: clinical testing. Allele origin: germline.
Comment: the same text as in the submission from Illumina Laboratory Services, Illumina above.